The following is an entry in ClinVar:

NM_000350.3(ABCA4):c.4069G>A (p.Ala1357Thr)

Gene: ABCA4 (ATP binding cassette subfamily A member 4; minus strand). Cytogenetic location: 1p22.1.
Variant type: single nucleotide variant.
Coding change: c.4069G>A on transcript NM_000350.3 (MANE Select); coding-DNA position 4069, G replaced by A.
Protein change: p.Ala1357Thr; replaces alanine 1357 with threonine.
Molecular consequence: missense variant.
Genome position (GRCh38, 1-based): chr1:94,031,837, C>T on the plus strand (G>A on the coding strand, the complement: ABCA4 is on the minus strand). VCF-style: chr1-94031837-C-T. GRCh37 (hg19) VCF-style: chr1-94497393-C-T.
Other names: c.3847G>A, p.Ala1283Thr (NM_001425324.1); short protein forms A1357T, A1283T.
Identifiers: ClinVar variation 636212 (VCV000636212.12), dbSNP rs754899711, ClinGen allele CA957733.

ClinVar aggregate classification (germline): Pathogenic. Review status: criteria provided, multiple submitters, no conflicts (2 of 4 stars). 5 submissions from 5 submitters: Pathogenic (4). 1 of the submissions does not count toward it. Last evaluated 2025-02-07.

Conditions:
ABCA4-related disorder. Also called: ABCA4-related condition; ABCA4-related disorders. Identifiers: MedGen CN239167.
Retinitis pigmentosa (RP). Identifiers: Orphanet 791, MedGen C0035334, MeSH D012174, MONDO:0019200, OMIM 268000. Inheritance: Autosomal dominant, autosomal recessive and X linked inheritance.
Stargardt disease (FFM). Also called: Stargardt's disease; Fundus flavimaculatus. Identifiers: Orphanet 827, MedGen C0271093, MONDO:0019353.

Allele frequency attached by ClinVar (database versions not stated): gnomAD 0.00001; TOPMed 0.00001; gnomAD exomes 0.00002; ExAC 0.00003.
gnomAD v4.1: 31 of 1,614,040 alleles (0.0019%); highest among the groups gnomAD compares: Non-Finnish European, 0.0025%; no homozygotes.

Submissions (5):

Women's Health and Genetics/Laboratory Corporation of America, LabCorp
Classification: Pathogenic for Retinitis pigmentosa. Last evaluated: 2025-02-07. Review status: criteria provided, single submitter. Criteria: LabCorp Variant Classification Summary - May 2015. Collection method: clinical testing. Allele origin: germline.
Comment: Variant summary: ABCA4 c.4069G>A (p.Ala1357Thr) results in a non-conservative amino acid change in the encoded protein sequence. Four of five in-silico tools predict a damaging effect of the variant on protein function. The variant allele was found at a frequency of 2.4e-05 in 250106 control chromosomes. c.4069G>A has been reported in the literature in compound heterozygous individuals affected with ABCA4-associated disorders (e.g., Duno_2012, Fenner_2024, Riveiro-Alvarez_2013). These data indicate that the variant is likely to be associated with disease. Two different variants affecting the same codon have been classified as pathogenic by our lab (c.4070C>A; p.Ala1357Glu and c.4070C>T; p.Ala1357Val), supporting the critical relevance of codon 1357 to ABCA4 protein function. At least one publication reports experimental evidence evaluating an impact on protein function (Garces_2018). The most pronounced variant effect results in a relative ATPase basal activity of approximately 40% compared to wild type. The following publications have been ascertained in the context of this evaluation (PMID: 22229821, 38309476, 29847635, 23755871). ClinVar contains an entry for this variant (Variation ID: 636212). Based on the evidence outlined above, the variant was classified as pathogenic.

PreventionGenetics, part of Exact Sciences
Classification: Pathogenic for ABCA4-related condition. Last evaluated: 2024-10-23. Review status: criteria provided, single submitter. Criteria: ACMG Guidelines, 2015. Collection method: clinical testing. Allele origin: germline.
Comment: The ABCA4 c.4069G>A variant is predicted to result in the amino acid substitution p.Ala1357Thr. This variant has been reported several times in the compound heterozygous state in individuals with ABCA4-related retinal disease (see for examples: Duno et al. 2012. PubMed ID: 22229821; Table S1, Stone et al. 2017. PubMed ID: 28559085; Table S1, Lin et al. 2024. PubMed ID: 38219857). Alternate substitutions of this amino acid (p.Ala1357GLu and p.Ala1357Val) have also been reported in individuals with retinal disease (Table S1, Lin et al. 2024. PubMed ID: 38219857). This variant is present in 0.0055% of alleles in individuals of European (Non-Finnish) descent in gnomAD. This variant is interpreted as pathogenic.

Blueprint Genetics
Classification: Pathogenic for ABCA4-related disorders. Last evaluated: 2024-08-22. Review status: criteria provided, single submitter. Criteria: ACMG Guidelines, 2015. Collection method: clinical testing. Allele origin: germline. Affected: yes. Observed: 4 variant alleles.

Labcorp Genetics (formerly Invitae), Labcorp
Classification: Pathogenic. Last evaluated: 2024-06-04. Review status: criteria provided, single submitter. Criteria: Invitae Variant Classification Sherloc (09022015). Collection method: clinical testing. Allele origin: germline.
Comment: This sequence change replaces alanine, which is neutral and non-polar, with threonine, which is neutral and polar, at codon 1357 of the ABCA4 protein (p.Ala1357Thr). This variant is present in population databases (rs754899711, gnomAD 0.005%). This missense change has been observed in individual(s) with Stargardt disease (PMID: 22229821, 23755871). In at least one individual the data is consistent with being in trans (on the opposite chromosome) from a pathogenic variant. ClinVar contains an entry for this variant (Variation ID: 636212). Advanced modeling of protein sequence and biophysical properties (such as structural, functional, and spatial information, amino acid conservation, physicochemical variation, residue mobility, and thermodynamic stability) performed at Invitae indicates that this missense variant is expected to disrupt ABCA4 protein function with a positive predictive value of 95%. Experimental studies have shown that this missense change affects ABCA4 function (PMID: 29847635). This variant disrupts the p.Ala1357 amino acid residue in ABCA4. Other variant(s) that disrupt this residue have been observed in individuals with ABCA4-related conditions (PMID: 23982839; Invitae), which suggests that this may be a clinically significant amino acid residue. For these reasons, this variant has been classified as Pathogenic.

Department of Clinical Genetics, Copenhagen University Hospital, Rigshospitalet
Classification: Uncertain significance for Stargardt disease. Last evaluated: 2018-04-01. Review status: no assertion criteria provided. Collection method: research. Allele origin: unknown. Affected: yes. Study: VeluxRD. Not counted in ClinVar's aggregate classification.

Literature cited by the submitters: PubMed 22229821 (cited by Women's Health and Genetics/Laboratory Corporation of America, LabCorp and Labcorp Genetics (formerly Invitae), Labcorp); PubMed 23755871 (cited by Women's Health and Genetics/Laboratory Corporation of America, LabCorp and Labcorp Genetics (formerly Invitae), Labcorp); PubMed 29847635 (cited by Women's Health and Genetics/Laboratory Corporation of America, LabCorp and Labcorp Genetics (formerly Invitae), Labcorp); PubMed 38309476 (cited by Women's Health and Genetics/Laboratory Corporation of America, LabCorp); PubMed 23982839 (cited by Labcorp Genetics (formerly Invitae), Labcorp); PubMed 30718709 (cited by Department of Clinical Genetics, Copenhagen University Hospital, Rigshospitalet).